The following is an entry in ClinVar:

ClinVar aggregate classification (germline): Pathogenic (1 of 4 stars; one submission).

Conditions:
Hereditary diffuse gastric adenocarcinoma (HDGC). Also called: DIFFUSE GASTRIC AND LOBULAR BREAST CANCER SYNDROME. Identifiers: Orphanet 26106, MedGen C1708349, MONDO:0007648, OMIM 137215.

Submission:

Labcorp Genetics (formerly Invitae), Labcorp
Classification: Pathogenic for Hereditary diffuse gastric adenocarcinoma. Last evaluated: 2016-09-20. Review status: criteria provided, single submitter. Criteria: Invitae Variant Classification Sherloc (09022015). Collection method: clinical testing. Allele origin: germline.
Comment: This variant is a gross deletion of the genomic region encompassing exons 1-2 of the CDH1 gene, which includes the initiator codon. The 5' end of this event is unknown as it extends beyond the assayed region for this gene and therefore may encompass additional genes. The 3' boundary is likely confined to intron 2 of the CDH1 gene. This is expected to result in an absent or disrupted protein product. Loss-of-function variants in CDH1 are known to be pathogenic. A similar deletion of exons 1-2 has been reported in the literature in an individual affected with diffuse gastric cancer (PMID: 19168852). For these reasons, this variant has been classified as Pathogenic.

NC_000016.10:g.(?_68737292)_(68738411_?)del

Genes: CDH1 (cadherin 1; plus strand), LOC130059290 (ATAC-STARR-seq lymphoblastoid silent region 7650; plus strand). Cytogenetic location: 16q22.1.
Variant type: Deletion.
Identifiers: ClinVar variation 417390 (VCV000417390.1).